The following is an entry in ClinVar:

ClinVar aggregate classification (germline): Uncertain significance. Review status: criteria provided, multiple submitters, no conflicts (2 of 4 stars). 2 submissions from 2 submitters: Uncertain significance (2). Last evaluated 2024-12-09.

Allele frequency attached by ClinVar (database versions not stated): gnomAD exomes below 0.00001.
gnomAD v4.1: 1 of 1,611,050 alleles (0.000062%); highest among the groups gnomAD compares: Non-Finnish European, 0.000085%; no homozygotes.

Submissions (2):

Ambry Genetics
Classification: Uncertain significance. Last evaluated: 2024-12-09. Review status: criteria provided, single submitter. Criteria: Ambry Variant Classification Scheme 2023. Collection method: clinical testing. Allele origin: germline.

Labcorp Genetics (formerly Invitae), Labcorp
Classification: Uncertain significance. Last evaluated: 2022-02-13. Review status: criteria provided, single submitter. Criteria: Invitae Variant Classification Sherloc (09022015). Collection method: clinical testing. Allele origin: germline.
Comment: This variant has not been reported in the literature in individuals affected with MICAL1-related conditions. This variant is not present in population databases (gnomAD no frequency). This sequence change replaces histidine, which is basic and polar, with glutamine, which is neutral and polar, at codon 32 of the MICAL1 protein (p.His32Gln). In summary, the available evidence is currently insufficient to determine the role of this variant in disease. Therefore, it has been classified as a Variant of Uncertain Significance. Algorithms developed to predict the effect of missense changes on protein structure and function (SIFT, PolyPhen-2, Align-GVGD) all suggest that this variant is likely to be tolerated.

NM_022765.4(MICAL1):c.39C>G (p.His13Gln)

Gene: MICAL1 (microtubule associated monooxygenase, calponin and LIM domain containing 1; minus strand). Cytogenetic location: 6q21.
Variant type: single nucleotide variant.
Coding change: c.39C>G on transcript NM_022765.4 (MANE Select); coding-DNA position 39, C replaced by G.
Protein change: p.His13Gln; replaces histidine 13 with glutamine.
Molecular consequence: missense variant.
Genome position (GRCh38, 1-based): chr6:109,454,158, G>C on the plus strand (C>G on the coding strand, the complement: MICAL1 is on the minus strand). VCF-style: chr6-109454158-G-C. GRCh37 (hg19) VCF-style: chr6-109775361-G-C.
Other names: c.39C>G (NM_022765.3); c.39C>G, p.His13Gln (NM_001159291.2); c.96C>G, p.His32Gln (NM_001286613.2); short protein forms H13Q, H32Q.
Identifiers: ClinVar variation 1963044 (VCV001963044.6), dbSNP rs2482818103, ClinGen allele CA365234445.